The following is an entry in ClinVar:

NM_000193.4(SHH):c.1351G>A (p.Ala451Thr)

Gene: SHH (sonic hedgehog signaling molecule; minus strand). Cytogenetic location: 7q36.3.
Variant type: single nucleotide variant.
Coding change: c.1351G>A on transcript NM_000193.4 (MANE Select); coding-DNA position 1351, G replaced by A.
Protein change: p.Ala451Thr; replaces alanine 451 with threonine.
Molecular consequence: missense variant. On other transcripts: intron variant (1).
Genome position (GRCh38, 1-based): chr7:155,802,938, C>T on the plus strand (G>A on the coding strand, the complement: SHH is on the minus strand). VCF-style: chr7-155802938-C-T. GRCh37 (hg19) VCF-style: chr7-155595632-C-T.
Other names: c.1351G>A (NM_000193.2); c.302-2693G>A (NM_001310462.2); short protein forms A451T.
Identifiers: ClinVar variation 2739642 (VCV002739642.4), dbSNP rs1013898422, ClinGen allele CA169421448.

ClinVar aggregate classification (germline): Uncertain significance. Review status: criteria provided, multiple submitters, no conflicts (2 of 4 stars). 2 submissions from 2 submitters: Uncertain significance (2). Last evaluated 2025-08-30.

Conditions:
Holoprosencephaly 3 (HPE3). Identifiers: Orphanet 2162, MedGen C1840529, MONDO:0007733, OMIM 142945.
Inborn genetic diseases. Identifiers: MedGen C0950123, MeSH D030342.

Allele frequency attached by ClinVar (database versions not stated): gnomAD 0.00001; gnomAD exomes below 0.00001; TOPMed 0.00001.
gnomAD v4.1: 3 of 1,436,852 alleles (0.00021%); highest among the groups gnomAD compares: South Asian, 0.0013%; no homozygotes.

Submissions (2):

Ambry Genetics
Classification: Uncertain significance for Inborn genetic diseases. Last evaluated: 2025-08-30. Review status: criteria provided, single submitter. Criteria: Ambry Variant Classification Scheme 2023. Collection method: clinical testing. Allele origin: germline.

Labcorp Genetics (formerly Invitae), Labcorp
Classification: Uncertain significance for Holoprosencephaly 3. Last evaluated: 2025-08-10. Review status: criteria provided, single submitter. Criteria: Invitae Variant Classification Sherloc (09022015). Collection method: clinical testing. Allele origin: germline.
Comment: This sequence change replaces alanine, which is neutral and non-polar, with threonine, which is neutral and polar, at codon 451 of the SHH protein (p.Ala451Thr). This variant is not present in population databases (gnomAD no frequency). This variant has not been reported in the literature in individuals affected with SHH-related conditions. ClinVar contains an entry for this variant (Variation ID: 2739642). Invitae Evidence Modeling of protein sequence and biophysical properties (such as structural, functional, and spatial information, amino acid conservation, physicochemical variation, residue mobility, and thermodynamic stability) indicates that this missense variant is not expected to disrupt SHH protein function with a negative predictive value of 80%. In summary, the available evidence is currently insufficient to determine the role of this variant in disease. Therefore, it has been classified as a Variant of Uncertain Significance.